The following is an entry in ClinVar:

ClinVar aggregate classification (germline): Conflicting classifications of pathogenicity. Review status: criteria provided, conflicting classifications (1 of 4 stars). 3 submissions from 3 submitters: Uncertain significance (1); Likely benign (2). Last evaluated 2025-12-08.

Conditions:
Cardiovascular phenotype. Identifiers: MedGen CN230736.
Brugada syndrome. Also called: Sudden unexpected nocturnal death syndrome; Sudden unexplained nocturnal death syndrome; Sudden Unexplained Death Syndrome; Sudden Unexplained Nocturnal Death Syndrome (SUNDS). Identifiers: Orphanet 130, MedGen C1142166, MONDO:0015263.

Allele frequency attached by ClinVar (database versions not stated): gnomAD below 0.00001 and 0.00005; TOPMed 0.00002; gnomAD exomes 0.00015 and 0.00034; ExAC 0.00037.
gnomAD v4.1: 222 of 1,589,674 alleles (0.014%); highest among the groups gnomAD compares: South Asian, 0.24%; 3 homozygotes.

Submissions (3):

Labcorp Genetics (formerly Invitae), Labcorp
Classification: Likely benign for Brugada syndrome. Last evaluated: 2025-12-08. Review status: criteria provided, single submitter. Criteria: Invitae Variant Classification Sherloc (09022015). Collection method: clinical testing. Allele origin: germline.

GeneDx
Classification: Uncertain significance. Last evaluated: 2024-12-26. Review status: criteria provided, single submitter. Criteria: GeneDx Variant Classification Process June 2021. Collection method: clinical testing. Allele origin: germline. Affected: yes.
Comment: In silico analysis supports that this missense variant has a deleterious effect on protein structure/function; Has not been previously published as pathogenic or benign to our knowledge; This variant is associated with the following publications: (PMID: 38962240)

Ambry Genetics
Classification: Likely benign for Cardiovascular phenotype. Last evaluated: 2020-10-27. Review status: criteria provided, single submitter. Criteria: Ambry Variant Classification Scheme 2023. Collection method: clinical testing. Allele origin: germline.

NM_015141.4(GPD1L):c.1035G>T (p.Gln345His)

Gene: GPD1L (glycerol-3-phosphate dehydrogenase 1 like; plus strand). Cytogenetic location: 3p22.3.
Variant type: single nucleotide variant.
Coding change: c.1035G>T on transcript NM_015141.4 (MANE Select); coding-DNA position 1035, G replaced by T.
Protein change: p.Gln345His; replaces glutamine 345 with histidine.
Molecular consequence: missense variant.
Genome position (GRCh38, 1-based): chr3:32,165,889, G>T. VCF-style: chr3-32165889-G-T. GRCh37 (hg19) VCF-style: chr3-32207381-G-T.
Other names: short protein forms Q345H.
Identifiers: ClinVar variation 520247 (VCV000520247.13), dbSNP rs780760018, ClinGen allele CA2296823.
Genomic context (GRCh38, chr3:32,165,889, plus strand): 5'-TGCAGTGTATCAGATCTGCTACGAAAGCAGACCAGTTCAAGAGATGTTGTCTTGTCTTCA[G>T]AGCCATCCAGAGCATACATAAAGTGAATCATGCAACGTGTTGGGGGAAGTTCTGCCTTTC-3'
Protein context (NP_055956.1, residues 335-351): RPVQEMLSCL[Gln345His]SHPEHT